The following is an entry in ClinVar:

ClinVar aggregate classification (germline): Pathogenic. Review status: criteria provided, multiple submitters, no conflicts (2 of 4 stars). 2 submissions from 2 submitters: Pathogenic (2). Last evaluated 2025-06-26.

Conditions:
Myofibrillar myopathy 5. Also called: Filaminopathy (type); FILAMINOPATHY, AUTOSOMAL DOMINANT. Identifiers: Orphanet 171445, MedGen C1836050, MONDO:0012289, OMIM 609524.
Distal myopathy with posterior leg and anterior hand involvement. Also called: WILLIAMS DISTAL MYOPATHY. Identifiers: Orphanet 63273, MedGen C3279722, MONDO:0013550, OMIM 614065.
Hypertrophic cardiomyopathy 26. Also called: Cardiomyopathy, familial hypertrophic, 26. Identifiers: Orphanet 75249, MedGen C4310749, MONDO:0014883, OMIM 617047.
Cardiovascular phenotype. Identifiers: MedGen CN230736.

Submissions (2):

Ambry Genetics
Classification: Pathogenic for Cardiovascular phenotype. Last evaluated: 2025-06-26. Review status: criteria provided, single submitter. Criteria: Ambry Variant Classification Scheme 2023. Collection method: clinical testing. Allele origin: germline.
Comment: The p.Q1478* pathogenic mutation (also known as c.4432C>T), located in coding exon 25 of the FLNC gene, results from a C to T substitution at nucleotide position 4432. This changes the amino acid from a glutamine to a stop codon within coding exon 25. This variant is considered to be rare based on population cohorts in the Genome Aggregation Database (gnomAD). This alteration is expected to result in loss of function by premature protein truncation or nonsense-mediated mRNA decay. As such, this alteration is interpreted as a disease-causing mutation for FLNC-related dilated cardiomyopathy; however, its clinical significance for FLNC-related hypertrophy/restrictive cardiomyopathy and/or skeletal myopathy is uncertain.

Labcorp Genetics (formerly Invitae), Labcorp
Classification: Pathogenic for Distal myopathy with posterior leg and anterior hand involvement; Myofibrillar myopathy 5; Hypertrophic cardiomyopathy 26. Last evaluated: 2023-01-11. Review status: criteria provided, single submitter. Criteria: Invitae Variant Classification Sherloc (09022015). Collection method: clinical testing. Allele origin: germline.
Comment: ClinVar contains an entry for this variant (Variation ID: 1068586). This variant has not been reported in the literature in individuals affected with FLNC-related conditions. This variant is not present in population databases (gnomAD no frequency). This sequence change creates a premature translational stop signal (p.Gln1478*) in the FLNC gene. It is expected to result in an absent or disrupted protein product. Loss-of-function variants in FLNC are known to be pathogenic (PMID: 27908349). For these reasons, this variant has been classified as Pathogenic. Algorithms developed to predict the effect of sequence changes on RNA splicing suggest that this variant may create or strengthen a splice site.

Literature cited by the submitters: PubMed 27908349 (cited by Labcorp Genetics (formerly Invitae), Labcorp).

NM_001458.5(FLNC):c.4432C>T (p.Gln1478Ter)

Gene: FLNC (filamin C; plus strand). Cytogenetic location: 7q32.1.
Variant type: single nucleotide variant.
Coding change: c.4432C>T on transcript NM_001458.5 (MANE Select); coding-DNA position 4432, C replaced by T.
Protein change: p.Gln1478Ter; replaces glutamine 1478 with a stop codon.
Molecular consequence: nonsense.
Genome position (GRCh38, 1-based): chr7:128,847,840, C>T. VCF-style: chr7-128847840-C-T. GRCh37 (hg19) VCF-style: chr7-128487894-C-T.
Other names: c.4432C>T (NM_001458.4); c.4432C>T, p.Gln1478Ter (NM_001127487.2); short protein forms Q1478*.
Identifiers: ClinVar variation 1068586 (VCV001068586.8), dbSNP rs2128937285, ClinGen allele CA369201621.